The following is an entry in ClinVar:

NM_015338.6(ASXL1):c.3575A>T (p.Glu1192Val)

Gene: ASXL1 (ASXL transcriptional regulator 1; plus strand). Cytogenetic location: 20q11.21.
Variant type: single nucleotide variant.
Coding change: c.3575A>T on transcript NM_015338.6 (MANE Select); coding-DNA position 3575, A replaced by T.
Protein change: p.Glu1192Val; replaces glutamic acid 1192 with valine.
Molecular consequence: missense variant.
Genome position (GRCh38, 1-based): chr20:32,436,287, A>T. VCF-style: chr20-32436287-A-T. GRCh37 (hg19) VCF-style: chr20-31024090-A-T.
Other names: c.3392A>T, p.Glu1131Val (NM_001363734.1); short protein forms E1131V, E1192V.
Identifiers: ClinVar variation 4159230 (VCV004159230.1).

ClinVar aggregate classification (germline): Uncertain significance (1 of 4 stars; one submission).

Conditions:
Inborn genetic diseases. Identifiers: MedGen C0950123, MeSH D030342.

gnomAD v4.1: 3 of 1,614,086 alleles (0.00019%); highest among the groups gnomAD compares: African/African-American, 0.004%; no homozygotes.

Submission:

Ambry Genetics
Classification: Uncertain significance for Inborn genetic diseases. Last evaluated: 2025-08-25. Review status: criteria provided, single submitter. Criteria: Ambry Variant Classification Scheme 2023. Collection method: clinical testing. Allele origin: germline.
Comment: The p.E1192V variant (also known as c.3575A>T), located in coding exon 13 of the ASXL1 gene, results from an A to T substitution at nucleotide position 3575. The glutamic acid at codon 1192 is replaced by valine, an amino acid with dissimilar properties. This amino acid position is conserved. In addition, this alteration is predicted to be tolerated by in silico analysis. Based on the available evidence, the clinical significance of this variant remains unclear.